The following is an entry in ClinVar:

NM_004370.6(COL12A1):c.2216T>G (p.Phe739Cys)

Gene: COL12A1 (collagen type XII alpha 1 chain; minus strand). Cytogenetic location: 6q13.
Variant type: single nucleotide variant.
Coding change: c.2216T>G on transcript NM_004370.6 (MANE Select); coding-DNA position 2216, T replaced by G.
Protein change: p.Phe739Cys; replaces phenylalanine 739 with cysteine.
Molecular consequence: missense variant. On other transcripts: intron variant (1).
Genome position (GRCh38, 1-based): chr6:75,177,884, A>C on the plus strand (T>G on the coding strand, the complement: COL12A1 is on the minus strand). VCF-style: chr6-75177884-A-C. GRCh37 (hg19) VCF-style: chr6-75887600-A-C.
Other names: c.73+24836T>G (NM_080645.3); short protein forms F739C.
Identifiers: ClinVar variation 1346812 (VCV001346812.8), dbSNP rs2149457038, ClinGen allele CA364764427.
Genomic context (GRCh38, chr6:75,177,884, plus strand): 5'-GGTCTATATATAATTCGATATCTTAAAACTCTCCCTGGAGCTTGAGTCCAAGTAATTTTG[A>C]AACTATCTGTAGTCTCATCTGTCACCTTTAGGTTTCGAGGTGCTCCTTTTACTGAAATAA-3'
Protein context (NP_004361.3, residues 729-749): LKVTDETTDS[Phe739Cys]KITWTQAPGR

ClinVar aggregate classification (germline): Uncertain significance (1 of 4 stars; one submission).

Conditions:
Ullrich congenital muscular dystrophy 2 (UCMD2). Identifiers: Orphanet 75840, MedGen C4225314, MONDO:0014654, OMIM 616470.
Bethlem myopathy 2 (BTHLM2). Identifiers: Orphanet 536516, Orphanet 610, MedGen C4225313, MONDO:0034022, OMIM 616471.

gnomAD v4.1: 1 of 1,613,450 alleles (0.000062%); highest among the groups gnomAD compares: Non-Finnish European, 0.000085%; no homozygotes.

Submission:

Labcorp Genetics (formerly Invitae), Labcorp
Classification: Uncertain significance for Bethlem myopathy 2; Ullrich congenital muscular dystrophy 2. Last evaluated: 2021-05-31. Review status: criteria provided, single submitter. Criteria: Invitae Variant Classification Sherloc (09022015). Collection method: clinical testing. Allele origin: germline.
Comment: This sequence change replaces phenylalanine with cysteine at codon 739 of the COL12A1 protein (p.Phe739Cys). The phenylalanine residue is moderately conserved and there is a large physicochemical difference between phenylalanine and cysteine. This variant is not present in population databases (ExAC no frequency). In summary, the available evidence is currently insufficient to determine the role of this variant in disease. Therefore, it has been classified as a Variant of Uncertain Significance. Algorithms developed to predict the effect of missense changes on protein structure and function are either unavailable or do not agree on the potential impact of this missense change (SIFT: "Deleterious"; PolyPhen-2: "Probably Damaging"; Align-GVGD: "Class C0"). This variant has not been reported in the literature in individuals with COL12A1-related conditions.